The following is an entry in ClinVar:

ClinVar aggregate classification (germline): Uncertain significance. Review status: criteria provided, multiple submitters, no conflicts (2 of 4 stars). 4 submissions from 4 submitters: Uncertain significance (4). Last evaluated 2025-07-14.

Conditions:
Combined immunodeficiency due to DOCK8 deficiency (HIES2). Also called: HIES autosomal recessive; Hyper-IgE recurrent infection syndrome, autosomal recessive; DOCK8 Deficiency; HYPER-IgE RECURRENT INFECTION SYNDROME 2, AUTOSOMAL RECESSIVE; HYPER-IgE SYNDROME 2, AUTOSOMAL RECESSIVE, WITH RECURRENT INFECTIONS. Identifiers: Orphanet 217390, MedGen C4722305, MONDO:0009478, OMIM 243700.

Allele frequency attached by ClinVar (database versions not stated): gnomAD 0.00007 and 0.00008; ESP Exome Variant Server 0.00008; TOPMed 0.00008.
gnomAD v4.1: 104 of 1,614,042 alleles (0.0064%); highest among the groups gnomAD compares: African/African-American, 0.035%; no homozygotes.

Submissions (4):

Labcorp Genetics (formerly Invitae), Labcorp
Classification: Uncertain significance for Combined immunodeficiency due to DOCK8 deficiency. Last evaluated: 2025-07-14. Review status: criteria provided, single submitter. Criteria: Invitae Variant Classification Sherloc (09022015). Collection method: clinical testing. Allele origin: germline.
Comment: This sequence change replaces alanine, which is neutral and non-polar, with threonine, which is neutral and polar, at codon 914 of the DOCK8 protein (p.Ala914Thr). This variant is present in population databases (rs375665207, gnomAD 0.02%). This missense change has been observed in individual(s) with primary immunodeficiency (PMID: 32135276). ClinVar contains an entry for this variant (Variation ID: 366928). Invitae Evidence Modeling of protein sequence and biophysical properties (such as structural, functional, and spatial information, amino acid conservation, physicochemical variation, residue mobility, and thermodynamic stability) indicates that this missense variant is not expected to disrupt DOCK8 protein function with a negative predictive value of 80%. In summary, the available evidence is currently insufficient to determine the role of this variant in disease. Therefore, it has been classified as a Variant of Uncertain Significance.

Blueprint Genetics
Classification: Uncertain significance. Last evaluated: 2023-12-20. Review status: criteria provided, single submitter. Criteria: ACMG Guidelines, 2015. Collection method: clinical testing. Allele origin: germline.

Women's Health and Genetics/Laboratory Corporation of America, LabCorp
Classification: Uncertain significance. Last evaluated: 2023-02-17. Review status: criteria provided, single submitter. Criteria: LabCorp Variant Classification Summary - May 2015. Collection method: clinical testing. Allele origin: germline.
Comment: Variant summary: DOCK8 c.2740G>A (p.Ala914Thr) results in a non-conservative amino acid change in the encoded protein sequence. Four of five in-silico tools predict a benign effect of the variant on protein function. The variant allele was found at a frequency of 2.8e-05 in 250842 control chromosomes. The available data on variant occurrences in the general population are insufficient to allow any conclusion about variant significance. c.2740G>A has been reported in the literature in individuals affected with Severe Combined Immunodeficiency. These report(s) do not provide unequivocal conclusions about association of the variant with primary immunodeficiencies. To our knowledge, no experimental evidence demonstrating an impact on protein function has been reported. Two clinical diagnostic laboratories have submitted clinical-significance assessments for this variant to ClinVar after 2014 without evidence for independent evaluation. Both laboratories classified the variant as uncertain significance. Based on the evidence outlined above, the variant was classified as uncertain significance.

Illumina Laboratory Services, Illumina
Classification: Uncertain significance for Combined immunodeficiency due to DOCK8 deficiency. Last evaluated: 2018-01-12. Review status: criteria provided, single submitter. Criteria: ICSL Variant Classification Criteria 13 December 2019. Collection method: clinical testing. Allele origin: germline.

Literature cited by the submitters: PubMed 32135276 (cited by Labcorp Genetics (formerly Invitae), Labcorp and Women's Health and Genetics/Laboratory Corporation of America, LabCorp).

NM_203447.4(DOCK8):c.2740G>A (p.Ala914Thr)

Gene: DOCK8 (dedicator of cytokinesis 8; plus strand). Cytogenetic location: 9p24.3.
Variant type: single nucleotide variant.
Coding change: c.2740G>A on transcript NM_203447.4 (MANE Select); coding-DNA position 2740, G replaced by A.
Protein change: p.Ala914Thr; replaces alanine 914 with threonine.
Molecular consequence: missense variant.
Genome position (GRCh38, 1-based): chr9:382,647, G>A. VCF-style: chr9-382647-G-A. GRCh37 (hg19) VCF-style: chr9-382647-G-A.
Other names: c.2536G>A, p.Ala846Thr (NM_001190458.2, NM_001193536.2); short protein forms A914T, A846T.
Identifiers: ClinVar variation 366928 (VCV000366928.12), dbSNP rs375665207, ClinGen allele CA4958305.
Genomic context (GRCh38, chr9:382,647, plus strand): 5'-AAGCTGCTGCAGGCCCGGGTGATGAGCAGCAGTAACCCAGACCTCGCGGGGACACACTCC[G>A]CAGCAGACGAGGAAGTGAAGAACATCATGTCTTCAAAGGTAGGAAAGATGTCAAACCGTG-3'
Protein context (NP_982272.2, residues 904-924): SNPDLAGTHS[Ala914Thr]ADEEVKNIMS